The following is an entry in ClinVar:

ClinVar aggregate classification (germline): Benign. Review status: criteria provided, multiple submitters, no conflicts (2 of 4 stars). 6 submissions from 6 submitters: Benign (6). Last evaluated 2026-02-01.

Conditions:
Multiple acyl-CoA dehydrogenase deficiency (MADD). Also called: Glutaric aciduria, type 2; Glutaric acidemia type II; GA 2; ETHYLMALONIC-ADIPICACIDURIA; GA II; Glutaric Acidemia type 2. Identifiers: Orphanet 26791, MedGen C0268596, MONDO:0009282, OMIM 231680.

Allele frequency attached by ClinVar (database versions not stated): ExAC 0.00430; 1000 Genomes Project 30x 0.01062; 1000 Genomes Project 0.01098; gnomAD 0.01262 and 0.01356; ESP Exome Variant Server 0.01339; TOPMed 0.01473.
gnomAD v4.1: 4,330 of 1,501,634 alleles (0.29%); highest among the groups gnomAD compares: African/African-American, 4.2%; 70 homozygotes.

Submissions (6):

Labcorp Genetics (formerly Invitae), Labcorp
Classification: Benign for Multiple acyl-CoA dehydrogenase deficiency. Last evaluated: 2026-02-01. Review status: criteria provided, single submitter. Criteria: Invitae Variant Classification Sherloc (09022015). Collection method: clinical testing. Allele origin: germline.

Mayo Clinic Laboratories, Mayo Clinic
Classification: Benign. Last evaluated: 2025-09-03. Review status: criteria provided, single submitter. Criteria: ACMG Guidelines, 2015. Collection method: clinical testing. Allele origin: germline. Observed: 1 variant allele.
Comment: BA1

ARUP Laboratories, Molecular Genetics and Genomics, ARUP Laboratories
Classification: Benign for Multiple acyl-CoA dehydrogenase deficiency. Last evaluated: 2025-04-22. Review status: criteria provided, single submitter. Criteria: ARUP Molecular Germline Variant Investigation Process 2024. Collection method: clinical testing. Allele origin: germline.

Illumina Laboratory Services, Illumina
Classification: Benign for Multiple acyl-CoA dehydrogenase deficiency. Last evaluated: 2018-01-13. Review status: criteria provided, single submitter. Criteria: ICSL Variant Classification Criteria 13 December 2019. Collection method: clinical testing. Allele origin: germline.
Comment: This variant was observed in the ICSL laboratory as part of a predisposition screen in an ostensibly healthy population. It had not been previously curated by ICSL or reported in the Human Gene Mutation Database (HGMD: prior to June 1st, 2018), and was therefore a candidate for classification through an automated scoring system. Utilizing variant allele frequency, disease prevalence and penetrance estimates, and inheritance mode, an automated score was calculated to assess if this variant is too frequent to cause the disease. Based on the score and internal cut-off values, a variant classified as benign is not then subjected to further curation. The score for this variant resulted in a classification of benign for this disease.

GeneDx
Classification: Benign. Last evaluated: 2012-09-18. Review status: criteria provided, single submitter. Criteria: GeneDx Variant Classification (06012015). Collection method: clinical testing. Allele origin: germline. Affected: yes.
Comment: This variant is considered likely benign or benign based on one or more of the following criteria: it is a conservative change, it occurs at a poorly conserved position in the protein, it is predicted to be benign by multiple in silico algorithms, and/or has population frequency not consistent with disease.

Breakthrough Genomics
Classification: Benign. Review status: criteria provided, single submitter. Criteria: ACMG Guidelines, 2015. Collection method: not provided. Allele origin: germline. Inheritance: Autosomal recessive inheritance. Affected: yes.

NM_004453.4(ETFDH):c.1690+15C>T

Gene: ETFDH (electron transfer flavoprotein dehydrogenase; plus strand). Cytogenetic location: 4q32.1.
Variant type: single nucleotide variant.
Coding change: c.1690+15C>T on transcript NM_004453.4 (MANE Select); 15 bases into the intron after coding-DNA position 1690, C replaced by T.
Molecular consequence: intron variant.
Genome position (GRCh38, 1-based): chr4:158,706,865, C>T. VCF-style: chr4-158706865-C-T. GRCh37 (hg19) VCF-style: chr4-159628017-C-T.
Other names: p.?; c.1549+15C>T (NM_001281737.2); c.1507+15C>T (NM_001281738.1).
Identifiers: ClinVar variation 137236 (VCV000137236.17), dbSNP rs11931339, ClinGen allele CA290776.